The following is an entry in ClinVar:

ClinVar aggregate classification (germline): Pathogenic. Review status: criteria provided, multiple submitters, no conflicts (2 of 4 stars). 9 submissions from 9 submitters: Pathogenic (9). Last evaluated 2026-03-02.

Conditions:
SCN1A-related disorder. Also called: SCN1A-related conditions; SCN1A-related condition; SCN1A-related disorders.
Early-infantile DEE. Also called: Ohtahara syndrome; Early infantile epileptic encephalopathy with suppression bursts; Early infantile epileptic encephalopathy. Identifiers: Orphanet 1934, MedGen C0393706, MONDO:0800491.
Inborn genetic diseases. Identifiers: MedGen C0950123, MeSH D030342.
Severe myoclonic epilepsy in infancy (DRVT). Also called: Epileptic encephalopathy, early infantile, 6 (Dravet syndrome); SEVERE MYOCLONIC EPILEPSY OF INFANCY; Dravet syndrome; DEVELOPMENTAL AND EPILEPTIC ENCEPHALOPATHY 6A; Severe Myoclonic Epilepsy in Infancy (SMEI). Identifiers: Orphanet 33069, MedGen C0751122, MONDO:0100135, OMIM 607208.
Seizure. Also called: Seizures. Identifiers: MedGen C0036572, HP:0001250.

Submissions (9):

Broad Center for Mendelian Genomics, Broad Institute of MIT and Harvard
Classification: Pathogenic for Severe myoclonic epilepsy in infancy. Last evaluated: 2026-03-02. Review status: criteria provided, single submitter. Criteria: ACMG Guidelines, 2015. Collection method: research. Allele origin: germline. Inheritance: Autosomal dominant inheritance.
Comment: The p.Arg1407Ter variant in SCN1A has been reported in other individuals with Dravet syndrome (PMID: 17347258, 11940708, 24502503), and was absent from large population studies. This variant has also been reported in ClinVar (Variation ID: 93649) and has been interpreted as Pathogenic by several labs. This variant was found to be de novo in 2 individuals with confirmed paternity and maternity (PMID: 17347258, 11940708). Animal models in mice have shown that this variant causes epileptic seizures (PMID: 17537961). This nonsense variant leads to a premature termination codon at position 1407, which is predicted to lead to a truncated or absent protein. Heterozygous loss of function of the SCN1A gene is an established disease mechanism in Dravet syndrome. In summary, this variant meets criteria to be classified as pathogenic for autosomal dominant Dravet syndrome. ACMG/AMP Criteria applied: PVS1, PS3, PS2_moderate, PM2_supporting (Richards 2015).

Cytogénomique, Hospices Civils de Lyon
Classification: Pathogenic for Seizure. Last evaluated: 2025-11-17. Review status: criteria provided, single submitter. Criteria: ACMG Guidelines, 2015. Collection method: clinical testing. Allele origin: unknown. Affected: yes.

GeneDx
Classification: Pathogenic. Last evaluated: 2025-10-13. Review status: criteria provided, single submitter. Criteria: GeneDx Variant Classification Process June 2021. Collection method: clinical testing. Allele origin: germline. Affected: yes.
Comment: Nonsense variant predicted to result in protein truncation or nonsense mediated decay in a gene for which loss of function is a known mechanism of disease; Not observed in large population cohorts (gnomAD); This variant is associated with the following publications: (PMID: 24155976, 25525159, 20831750, 24152123, 29329111, 29915537, 29141279, 25855492, 26749013, 25042160, 24502503, 15880351, 16713920, 16458823, 30368457, 30868114, 31864146, 31765958, 35074891, 31440721, 35813073, 12837571, 38232648, 39787995, 17537961, 11940708)

3billion
Classification: Pathogenic for SCN1A-related disorder. Last evaluated: 2025-09-02. Review status: criteria provided, single submitter. Criteria: ACMG Guidelines, 2015. Collection method: clinical testing. Allele origin: germline. Affected: yes.
Comment: The variant is not observed in the gnomAD v4.1.0 dataset. Predicted Consequence/Location: Stop-gained (nonsense): predicted to result in a loss or disruption of normal protein function through nonsense-mediated decay (NMD) or protein truncation. Multiple pathogenic variants are reported downstream of the variant. The variant has been reported at least twice as pathogenic with clinical assertions and evidence for the classification (ClinVar ID: VCV000093649 /PMID: 11940708 /3billion dataset). Therefore, this variant is classified as Pathogenic according to the recommendation of ACMG/AMP guideline.

Labcorp Genetics (formerly Invitae), Labcorp
Classification: Pathogenic for Early-infantile DEE. Last evaluated: 2025-04-14. Review status: criteria provided, single submitter. Criteria: Invitae Variant Classification Sherloc (09022015). Collection method: clinical testing. Allele origin: germline.
Comment: This sequence change creates a premature translational stop signal (p.Arg1407*) in the SCN1A gene. It is expected to result in an absent or disrupted protein product. Loss-of-function variants in SCN1A are known to be pathogenic (PMID: 17347258, 18930999). This variant is not present in population databases (gnomAD no frequency). This premature translational stop signal has been observed in individual(s) with severe myoclonic epilepsy in infancy (PMID: 11940708, 24502503). In at least one individual the variant was observed to be de novo. This variant is also known as 4186C>T and Arg1396X. ClinVar contains an entry for this variant (Variation ID: 93649). Algorithms developed to predict the effect of sequence changes on RNA splicing suggest that this variant may disrupt the consensus splice site. For these reasons, this variant has been classified as Pathogenic.

CeGaT Center for Human Genetics Tuebingen
Classification: Pathogenic. Last evaluated: 2023-06-01. Review status: criteria provided, single submitter. Criteria: CeGaT Center For Human Genetics Tuebingen Variant Classification Criteria Version 2. Collection method: clinical testing. Allele origin: germline. Affected: yes. Observed: 1 variant allele.
Comment: SCN1A: PVS1, PM2, PM6

Ambry Genetics
Classification: Pathogenic for Inborn genetic diseases. Last evaluated: 2016-06-08. Review status: criteria provided, single submitter. Criteria: Ambry Variant Classification Scheme 2023. Collection method: clinical testing. Allele origin: germline.
Comment: The p.R1407* pathogenic mutation (also known as c.4219C>T and p.R1396*), located in coding exon 21 of the SCN1A gene, results from a C to T substitution at nucleotide position 4219. This changes the amino acid from an arginine to a stop codon within coding exon 21. In addition, this mutation has been introduced into mice in two separate studies with similar outcomes, which include epileptic recurrent seizures, neuronal excitability, and cardiac electrophysiological abnormalities (Ogiwara I, et al. J. Neurosci. 2007;27(22):5903-14; Auerbach DS, et al. PLoS ONE 2013;8(10):e77843). In addition to the clinical data presented in the literature, since premature stop codons are typically deleterious in nature, this alteration is interpreted as a disease-causing mutation (ACMG Recommendations for Standards for Interpretation and Reporting of Sequence Variations. Revision 2007. Genet Med. 2008;10:294).

Eurofins Ntd Llc (ga)
Classification: Pathogenic. Last evaluated: 2013-05-09. Review status: criteria provided, single submitter. Criteria: EGL Classification Definitions 2015. Collection method: clinical testing. Allele origin: germline. Observed: 1 variant allele, 1 heterozygote.

Lifecell International Pvt. Ltd
Classification: Pathogenic for Severe myoclonic epilepsy in infancy. Review status: criteria provided, single submitter. Criteria: ACMG Guidelines 2015. Collection method: clinical testing. Allele origin: germline. Affected: yes. Observed: 1 variant allele, 1 heterozygote.
Comment: A heterozygous nonsense variation in exon 24 of the SCN1A gene (c.4219C>T) that results in a stop codon and premature truncation of the protein at codon 1407 (p.Arg1407Ter) was detected. The observed variant is not reported in 1000 genome database and gnomAD database. The reference base is conserved across the species and in-silico predictions by CADD and Mutation taster are damaging. This variant is predicted to cause loss of normal protein function through protein truncation. The gene SCN1A has a low rate of benign loss of function variants as indicated by a high LoF variants Z-Score of 7.90. The p.R1407Ter variant is a loss of function variant in the gene SCN1A, which is intolerant of Loss of Function variants, as indicated by the presence of existing pathogenic loss of function variant NP_001159435.1:p.M1I and 449 others. There are 112 downstream pathogenic loss of function variants, with the furthest variant being 519 residues downstream of the variant p.R1407Ter. This variant has been reported to ClinVar as Pathogenic with a status of (2 stars) criteria provided, multiple submitters, no conflicts (Variation ID 93649 as of 2021-02-04). Based on the above evidence this variant has been classified as pathogenic according to the ACMG guidelines.

Literature cited by the submitters: PubMed 11940708 (cited by 3 submitters); PubMed 17347258 (cited by Labcorp Genetics (formerly Invitae), Labcorp); PubMed 18930999 (cited by Labcorp Genetics (formerly Invitae), Labcorp); PubMed 24502503 (cited by Labcorp Genetics (formerly Invitae), Labcorp); PubMed 17537961 (cited by Ambry Genetics); PubMed 24155976 (cited by Ambry Genetics).

NM_001165963.4(SCN1A):c.4219C>T (p.Arg1407Ter)

Genes: SCN1A (sodium voltage-gated channel alpha subunit 1; minus strand), LOC102724058 (uncharacterized LOC102724058; plus strand). Cytogenetic location: 2q24.3.
Variant type: single nucleotide variant.
Coding change: c.4219C>T on transcript NM_001165963.4 (MANE Select); coding-DNA position 4219, C replaced by T.
Protein change: p.Arg1407Ter; replaces arginine 1407 with a stop codon.
Molecular consequence: nonsense. On other transcripts: non-coding transcript variant (1).
Genome position (GRCh38, 1-based): chr2:166,002,537, G>A on the plus strand (C>T on the coding strand, the complement: SCN1A is on the minus strand). VCF-style: chr2-166002537-G-A. GRCh37 (hg19) VCF-style: chr2-166859047-G-A.
Other names: NM_001165963.4(SCN1A):c.4219C>T; p.Arg1407Ter; c.4135C>T, p.Arg1379Ter (NM_001165964.3, NM_001353957.2, NM_001353958.2); c.4219C>T, p.Arg1407Ter (NM_001202435.3, NM_001353948.2); c.4186C>T, p.Arg1396Ter (NM_001353949.2, NM_001353950.2, NM_001353951.2 and 2 more transcripts); c.4183C>T, p.Arg1395Ter (NM_001353954.2, NM_001353955.2); c.4132C>T, p.Arg1378Ter (NM_001353960.2); c.1777C>T, p.Arg593Ter (NM_001353961.2); short protein forms R1396*, R1407*, R593*, R1378*, R1379*, R1395*.
Identifiers: ClinVar variation 93649 (VCV000093649.48), dbSNP rs398123593, ClinGen allele CA266841.